The following is an entry in ClinVar:

ClinVar aggregate classification (germline): Uncertain significance (1 of 4 stars; one submission).

Submission:

Labcorp Genetics (formerly Invitae), Labcorp
Classification: Uncertain significance. Last evaluated: 2025-04-19. Review status: criteria provided, single submitter. Criteria: Invitae Variant Classification Sherloc (09022015). Collection method: clinical testing. Allele origin: germline.
Comment: This sequence change replaces asparagine, which is neutral and polar, with histidine, which is basic and polar, at codon 2057 of the HMCN1 protein (p.Asn2057His). This variant is not present in population databases (gnomAD no frequency). This variant has not been reported in the literature in individuals affected with HMCN1-related conditions. An algorithm developed to predict the effect of missense changes on protein structure and function (PolyPhen-2) suggests that this variant is likely to be disruptive. In summary, the available evidence is currently insufficient to determine the role of this variant in disease. Therefore, it has been classified as a Variant of Uncertain Significance.

NM_031935.3(HMCN1):c.6169A>C (p.Asn2057His)

Gene: HMCN1 (hemicentin 1; plus strand). Cytogenetic location: 1q31.1.
Variant type: single nucleotide variant.
Coding change: c.6169A>C on transcript NM_031935.3 (MANE Select); coding-DNA position 6169, A replaced by C.
Protein change: p.Asn2057His; replaces asparagine 2057 with histidine.
Molecular consequence: missense variant.
Genome position (GRCh38, 1-based): chr1:186,039,868, A>C. VCF-style: chr1-186039868-A-C. GRCh37 (hg19) VCF-style: chr1-186009000-A-C.
Other names: short protein forms N2057H.
Identifiers: ClinVar variation 4716653 (VCV004716653.1).